The following is an entry in ClinVar:

ClinVar aggregate classification (germline): Uncertain significance. Review status: criteria provided, multiple submitters, no conflicts (2 of 4 stars). 2 submissions from 2 submitters: Uncertain significance (2). Last evaluated 2026-01-05.

Conditions:
Inborn genetic diseases. Identifiers: MedGen C0950123, MeSH D030342.

Allele frequency attached by ClinVar (database versions not stated): gnomAD 0.00002; gnomAD exomes 0.00002; TOPMed 0.00002; ExAC 0.00002.
gnomAD v4.1: 35 of 1,613,980 alleles (0.0022%); highest among the groups gnomAD compares: Non-Finnish European, 0.0028%; no homozygotes.

Submissions (2):

Labcorp Genetics (formerly Invitae), Labcorp
Classification: Uncertain significance. Last evaluated: 2026-01-05. Review status: criteria provided, single submitter. Criteria: Invitae Variant Classification Sherloc (09022015). Collection method: clinical testing. Allele origin: germline.
Comment: This sequence change replaces lysine, which is basic and polar, with glutamic acid, which is acidic and polar, at codon 391 of the MBD4 protein (p.Lys391Glu). This variant is present in population databases (rs769502952, gnomAD 0.008%). This variant has not been reported in the literature in individuals affected with MBD4-related conditions. ClinVar contains an entry for this variant (Variation ID: 2595142). An algorithm developed to predict the effect of missense changes on protein structure and function (PolyPhen-2) suggests that this variant is likely to be tolerated. In summary, the available evidence is currently insufficient to determine the role of this variant in disease. Therefore, it has been classified as a Variant of Uncertain Significance.

Ambry Genetics
Classification: Uncertain significance for Inborn genetic diseases. Last evaluated: 2023-06-30. Review status: criteria provided, single submitter. Criteria: Ambry Variant Classification Scheme 2023. Collection method: clinical testing. Allele origin: germline.

NM_001276270.2(MBD4):c.1171A>G (p.Lys391Glu)

Gene: MBD4 (methyl-CpG binding domain 4, DNA glycosylase; minus strand). Cytogenetic location: 3q21.3.
Variant type: single nucleotide variant.
Coding change: c.1171A>G on transcript NM_001276270.2 (MANE Select); coding-DNA position 1171, A replaced by G.
Protein change: p.Lys391Glu; replaces lysine 391 with glutamic acid.
Molecular consequence: missense variant. On other transcripts: intron variant (1).
Genome position (GRCh38, 1-based): chr3:129,436,473, T>C on the plus strand (A>G on the coding strand, the complement: MBD4 is on the minus strand). VCF-style: chr3-129436473-T-C. GRCh37 (hg19) VCF-style: chr3-129155316-T-C.
Other names: c.1171A>G, p.Lys391Glu (NM_001276271.2, NM_001276272.2, NM_003925.3); c.247+1335A>G (NM_001276273.2); short protein forms K391E.
Identifiers: ClinVar variation 2595142 (VCV002595142.5), dbSNP rs769502952, ClinGen allele CA2605405.
Genomic context (GRCh38, chr3:129,436,473, plus strand): 5'-TGTTTAATAGTGCTTGAAAGCACTGGATACCTTGAAATATTTTCTCACCAGTGAAGTCTT[T>C]CCTGGTTGGTGAGCAGTTGTTGTCCATTTCAGAGCCACGTTTTAAAATGTCAGTATGCAA-3'
Protein context (NP_001263199.1, residues 381-401): EMDNNCSPTR[Lys391Glu]DFTEDTIPRT